The following is an entry in ClinVar:

ClinVar aggregate classification (germline): Likely pathogenic (1 of 4 stars; one submission).

Conditions:
Telangiectasia, hereditary hemorrhagic, type 2 (HHT2). Also called: Telangiectasia, hereditary hemorrhagic, type II; ACVRL1-Related Hereditary Hemorrhagic Telangiectasia. Identifiers: Orphanet 774, MedGen C1838163, MONDO:0010880, OMIM 600376. Disease mechanism: loss of function.

Submission:

Labcorp Genetics (formerly Invitae), Labcorp
Classification: Likely pathogenic for Telangiectasia, hereditary hemorrhagic, type 2. Last evaluated: 2024-03-28. Review status: criteria provided, single submitter. Criteria: Invitae Variant Classification Sherloc (09022015). Collection method: clinical testing. Allele origin: germline.
Comment: This sequence change replaces tyrosine, which is neutral and polar, with asparagine, which is neutral and polar, at codon 421 of the ACVRL1 protein (p.Tyr421Asn). This variant is not present in population databases (gnomAD no frequency). This missense change has been observed in individual(s) with hereditary hemorrhagic telangiectasia (Invitae). Advanced modeling of protein sequence and biophysical properties (such as structural, functional, and spatial information, amino acid conservation, physicochemical variation, residue mobility, and thermodynamic stability) performed at Invitae indicates that this missense variant is expected to disrupt ACVRL1 protein function with a positive predictive value of 95%. This variant disrupts the p.Tyr421 amino acid residue in ACVRL1. Other variant(s) that disrupt this residue have been observed in individuals with ACVRL1-related conditions (PMID: 18673552), which suggests that this may be a clinically significant amino acid residue. In summary, the currently available evidence indicates that the variant is pathogenic, but additional data are needed to prove that conclusively. Therefore, this variant has been classified as Likely Pathogenic.

Literature cited by the submitters: PubMed 18673552.

NM_000020.3(ACVRL1):c.1261T>A (p.Tyr421Asn)

Gene: ACVRL1 (activin A receptor like type 1; plus strand). Cytogenetic location: 12q13.13.
Variant type: single nucleotide variant.
Coding change: c.1261T>A on transcript NM_000020.3 (MANE Select); coding-DNA position 1261, T replaced by A.
Protein change: p.Tyr421Asn; replaces tyrosine 421 with asparagine.
Molecular consequence: missense variant.
Genome position (GRCh38, 1-based): chr12:51,918,999, T>A. VCF-style: chr12-51918999-T-A. GRCh37 (hg19) VCF-style: chr12-52312783-T-A.
Other names: c.1261T>A, p.Tyr421Asn (NM_001077401.2, NM_001406487.1, NM_001406488.1 and 1 more transcripts); c.1105T>A, p.Tyr369Asn (NM_001406490.1); c.949T>A, p.Tyr317Asn (NM_001406491.1, NM_001406492.1, NM_001406493.1); c.751T>A, p.Tyr251Asn (NM_001406494.1); c.697T>A, p.Tyr233Asn (NM_001406495.1); short protein forms Y233N, Y251N, Y317N, Y369N, Y421N.
Identifiers: ClinVar variation 2708757 (VCV002708757.3), dbSNP rs2540170621, ClinGen allele CA384903673.